The following is an entry in ClinVar:

ClinVar aggregate classification (germline): Pathogenic (1 of 4 stars; one submission).

Conditions:
Landau-Kleffner syndrome (FESD). Also called: APHASIA, ACQUIRED, WITH EPILEPSY; EPILEPSY, FOCAL, WITH SPEECH DISORDER AND WITH OR WITHOUT MENTAL RETARDATION. Identifiers: Orphanet 1945, Orphanet 725, Orphanet 98818, MedGen C0282512, MONDO:0009509, OMIM 245570.

Submission:

Labcorp Genetics (formerly Invitae), Labcorp
Classification: Pathogenic for Landau-Kleffner syndrome. Last evaluated: 2022-02-24. Review status: criteria provided, single submitter. Criteria: Invitae Variant Classification Sherloc (09022015). Collection method: clinical testing. Allele origin: germline.
Comment: For these reasons, this variant has been classified as Pathogenic. This variant has not been reported in the literature in individuals affected with GRIN2A-related conditions. This variant is a gross deletion of the genomic region encompassing exon(s) 3-5 of the GRIN2A gene, which includes the initiator codon. This deletion extends beyond the assayed region for this gene and therefore may encompass additional genes. It is expected to result in an absent or disrupted protein product. Loss-of-function variants in GRIN2A are known to be pathogenic (PMID: 23933819, 23933820).

Literature cited by the submitters: PubMed 23933819; PubMed 23933820.

NC_000016.10:g.(?_9890966)_(10180431_?)del

Gene: GRIN2A (glutamate ionotropic receptor NMDA type subunit 2A; minus strand). Cytogenetic location: 16p13.2.
Variant type: Deletion.
Identifiers: ClinVar variation 831099 (VCV000831099.9).